The following is an entry in ClinVar:

NM_001242882.2(NAXD):c.848del (p.Pro283fs)

Gene: NAXD (NAD(P)HX dehydratase; plus strand). Cytogenetic location: 13q34.
Variant type: Deletion.
Coding change: c.848del on transcript NM_001242882.2 (MANE Select); coding-DNA position 848, one base deleted (C; older notation c.848delC).
Protein change: p.Pro283fs; shifts the reading frame from proline 283.
Molecular consequence: frameshift variant. On other transcripts: non-coding transcript variant (2).
Genome position (GRCh38, 1-based): chr13:110,638,386, C deleted; the last of 3 consecutive C bases (chr13:110,638,384-110,638,386); deleting any one gives the same sequence. VCF-style (leftmost placement, unchanged base first): chr13-110638383-GC-G. GRCh37 (hg19) VCF-style: chr13-111290730-GC-G.
Other names: c.902del, p.Pro301fs (NM_001242881.2); c.572del, p.Pro191fs (NM_001242883.2); c.1038del, p.Ser347fs (NM_018210.4); short protein forms P191fs, P283fs, P301fs, S347fs.
Identifiers: ClinVar variation 3376781 (VCV003376781.3).

ClinVar aggregate classification (germline): Likely pathogenic (1 of 4 stars; one submission).

Conditions:
NAD(P)HX dehydratase deficiency. Also called: Encephalopathy, progressive, early-onset, with brain edema and/or leukoencephalopathy, 2. Identifiers: Orphanet 555402, MedGen C5193026, MONDO:0034121, OMIM 618321.

Submission:

Victorian Clinical Genetics Services, Murdoch Childrens Research Institute
Classification: Likely pathogenic for NAD(P)HX dehydratase deficiency. Last evaluated: 2025-08-25. Review status: criteria provided, single submitter. Criteria: ACMG Guidelines, 2015. Collection method: clinical testing. Allele origin: germline. Affected: yes.
Comment: This variant is classified as Likely pathogenic. Evidence in support of pathogenic classification: Variant is predicted to result in a truncated protein (premature termination codon is NOT located at least 54 nucleotides upstream of the final exon-exon junction) with less than 1/3 of the protein sequence affected; Variant is present in gnomAD <0.01 for a recessive condition (v4: 1 heterozygote(s), 0 homozygote(s)). - This variant has strong functional evidence supporting abnormal protein function. Metabolomic analysis on patient derived fibroblasts show significant accumulation of S-NADHX and R-NADHX metabolites when compared with paediatric controls, consistent with findings from fibroblasts of other NAXD patients (PMIDs: 30576410, 36834994). Additionally, whole cell proteomic analysis on cells compound heterozygous for this variant and p.(Ser235Phe) demonstrated a significant reduction in levels of NAXD, measured to be 9% relative to control protein levels (MitoMDT Consortium, Victoria, Australia). Additional information: This variant is heterozygous; This gene is associated with autosomal recessive disease; This variant has no previous evidence of pathogenicity; No published segregation evidence has been identified for this variant; No comparable protein truncating variants have previous evidence for pathogenicity; Variant is predicted to truncate part of the carb kinase domain (DECIPHER); Loss of function is a known mechanism of disease in this gene and is associated with early-onset progressive encephalopathy with brain oedema and/or leukoencephalopathy 2 (MIM#618321).

Literature cited by the submitters: PubMed 30576410; PubMed 36834994.